The following is an entry in ClinVar:

NM_014254.3(RXYLT1):c.903A>G (p.Ser301=)

Gene: RXYLT1 (ribitol xylosyltransferase 1; plus strand). Cytogenetic location: 12q14.2.
Variant type: single nucleotide variant.
Coding change: c.903A>G on transcript NM_014254.3 (MANE Select); coding-DNA position 903, A replaced by G.
Protein change: p.Ser301=; no amino-acid change (serine 301 retained).
Molecular consequence: synonymous variant.
Genome position (GRCh38, 1-based): chr12:63,805,393, A>G. VCF-style: chr12-63805393-A-G. GRCh37 (hg19) VCF-style: chr12-64199173-A-G.
Other names: c.123A>G, p.Ser41= (NM_001278237.2).
Identifiers: ClinVar variation 2672510 (VCV002672510.26), dbSNP rs780521170, ClinGen allele CA6666200.

ClinVar aggregate classification (germline): Likely benign. Review status: criteria provided, multiple submitters, no conflicts (2 of 4 stars). 2 submissions from 2 submitters: Likely benign (2). Last evaluated 2023-12-09.

Allele frequency attached by ClinVar (database versions not stated): TOPMed below 0.00001; ExAC 0.00001; gnomAD exomes 0.00001.
gnomAD v4.1: 9 of 1,603,226 alleles (0.00056%); highest among the groups gnomAD compares: Non-Finnish European, 0.00077%; no homozygotes.

Submissions (2):

Labcorp Genetics (formerly Invitae), Labcorp
Classification: Likely benign. Last evaluated: 2023-12-09. Review status: criteria provided, single submitter. Criteria: Invitae Variant Classification Sherloc (09022015). Collection method: clinical testing. Allele origin: germline.

CeGaT Center for Human Genetics Tuebingen
Classification: Likely benign. Last evaluated: 2023-11-01. Review status: criteria provided, single submitter. Criteria: CeGaT Center For Human Genetics Tuebingen Variant Classification Criteria Version 2. Collection method: clinical testing. Allele origin: germline. Affected: yes. Observed: 1 variant allele.
Comment: RXYLT1: BP4, BP7